The following is an entry in ClinVar:

NM_001042424.3(NSD2):c.992A>G (p.Glu331Gly)

Gene: NSD2 (nuclear receptor binding SET domain protein 2; plus strand). Cytogenetic location: 4p16.3.
Variant type: single nucleotide variant.
Coding change: c.992A>G on transcript NM_001042424.3 (MANE Select); coding-DNA position 992, A replaced by G.
Protein change: p.Glu331Gly; replaces glutamic acid 331 with glycine.
Molecular consequence: missense variant.
Genome position (GRCh38, 1-based): chr4:1,918,205, A>G. VCF-style: chr4-1918205-A-G. GRCh37 (hg19) VCF-style: chr4-1919932-A-G.
Other names: c.992A>G, p.Glu331Gly (NM_007331.2, NM_133330.3, NM_133331.3 and 2 more transcripts); short protein forms E331G.
Identifiers: ClinVar variation 2573810 (VCV002573810.1), dbSNP rs997888817, ClinGen allele CA356004237.

ClinVar aggregate classification (germline): Uncertain significance (1 of 4 stars; one submission).

Allele frequency attached by ClinVar (database versions not stated): TOPMed below 0.00001.

Submission:

GeneDx
Classification: Uncertain significance. Last evaluated: 2023-07-19. Review status: criteria provided, single submitter. Criteria: GeneDx Variant Classification Process June 2021. Collection method: clinical testing. Allele origin: germline. Affected: yes.
Comment: Not observed at significant frequency in large population cohorts (gnomAD); In silico analysis supports that this missense variant has a deleterious effect on protein structure/function; Has not been previously published as pathogenic or benign to our knowledge